The following is an entry in ClinVar:

NM_144687.4(NLRP12):c.2512G>T (p.Ala838Ser)

Gene: NLRP12 (NLR family pyrin domain containing 12; minus strand). Cytogenetic location: 19q13.42.
Variant type: single nucleotide variant.
Coding change: c.2512G>T on transcript NM_144687.4 (MANE Select); coding-DNA position 2512, G replaced by T.
Protein change: p.Ala838Ser; replaces alanine 838 with serine.
Molecular consequence: missense variant.
Genome position (GRCh38, 1-based): chr19:53,804,025, C>A on the plus strand (G>T on the coding strand, the complement: NLRP12 is on the minus strand). VCF-style: chr19-53804025-C-A. GRCh37 (hg19) VCF-style: chr19-54307279-C-A.
Other names: c.2515G>T, p.Ala839Ser (NM_001277126.2); c.2512G>T, p.Ala838Ser (NM_001277129.1); short protein forms A838S, A839S.
Identifiers: ClinVar variation 1506747 (VCV001506747.8), dbSNP rs768588697, ClinGen allele CA9639052.

ClinVar aggregate classification (germline): Uncertain significance (1 of 4 stars; one submission).

Conditions:
Familial cold autoinflammatory syndrome 2 (FCAS2). Identifiers: Orphanet 247868, MedGen C2673198, MONDO:0012724, OMIM 611762.

Allele frequency attached by ClinVar (database versions not stated): ExAC 0.00001.

Submission:

Labcorp Genetics (formerly Invitae), Labcorp
Classification: Uncertain significance for Familial cold autoinflammatory syndrome 2. Last evaluated: 2021-04-16. Review status: criteria provided, single submitter. Criteria: Invitae Variant Classification Sherloc (09022015). Collection method: clinical testing. Allele origin: germline.
Comment: This sequence change replaces alanine with serine at codon 838 of the NLRP12 protein (p.Ala838Ser). The alanine residue is moderately conserved and there is a moderate physicochemical difference between alanine and serine. This variant is present in population databases (rs768588697, ExAC 0.01%). This variant has not been reported in the literature in individuals with NLRP12-related conditions. Algorithms developed to predict the effect of missense changes on protein structure and function output the following: SIFT: "Deleterious"; PolyPhen-2: "Benign"; Align-GVGD: "Class C0". The serine amino acid residue is found in multiple mammalian species, suggesting that this missense change does not adversely affect protein function. These predictions have not been confirmed by published functional studies and their clinical significance is uncertain. In summary, the available evidence is currently insufficient to determine the role of this variant in disease. Therefore, it has been classified as a Variant of Uncertain Significance.